The following is an entry in ClinVar:

NM_001371986.1(UNC80):c.5907+1G>A

Gene: UNC80 (unc-80 subunit of NALCN channel complex; plus strand). Cytogenetic location: 2q34.
Variant type: single nucleotide variant.
Coding change: c.5907+1G>A on transcript NM_001371986.1 (MANE Select); the canonical splice donor site of the intron after coding-DNA position 5907, G replaced by A.
Molecular consequence: splice donor variant.
Genome position (GRCh38, 1-based): chr2:209,929,972, G>A. VCF-style: chr2-209929972-G-A. GRCh37 (hg19) VCF-style: chr2-210794696-G-A.
Other names: c.5709+1G>A (NM_032504.2); c.5694+1G>A (NM_182587.4).
Identifiers: ClinVar variation 1482461 (VCV001482461.8), dbSNP rs2124964267, ClinGen allele CA350767183.

ClinVar aggregate classification (germline): Likely pathogenic (1 of 4 stars; one submission).

Submission:

Labcorp Genetics (formerly Invitae), Labcorp
Classification: Likely pathogenic. Last evaluated: 2021-06-06. Review status: criteria provided, single submitter. Criteria: Invitae Variant Classification Sherloc (09022015). Collection method: clinical testing. Allele origin: germline.
Comment: In summary, the currently available evidence indicates that the variant is pathogenic, but additional data are needed to prove that conclusively. Therefore, this variant has been classified as Likely Pathogenic. Algorithms developed to predict the effect of sequence changes on RNA splicing suggest that this variant may disrupt the consensus splice site, but this prediction has not been confirmed by published transcriptional studies. This variant has not been reported in the literature in individuals with UNC80-related conditions. This variant is not present in population databases (ExAC no frequency). This sequence change affects a donor splice site in intron 36 of the UNC80 gene. It is expected to disrupt RNA splicing. Variants that disrupt the donor or acceptor splice site typically lead to a loss of protein function (PMID: 16199547), and loss-of-function variants in UNC80 are known to be pathogenic (PMID: 26545877, 26708751, 26708753).

Literature cited by the submitters: PubMed 16199547; PubMed 26545877; PubMed 26708751; PubMed 26708753.